The following is an entry in ClinVar:

NM_033022.4(RPS24):c.391-3C>A

Gene: RPS24 (ribosomal protein S24; plus strand). Cytogenetic location: 10q22.3.
Variant type: single nucleotide variant.
Coding change: c.391-3C>A on transcript NM_033022.4 (MANE Select); 3 bases into the intron before coding-DNA position 391, C replaced by A.
Molecular consequence: intron variant.
Genome position (GRCh38, 1-based): chr10:78,040,201, C>A. VCF-style: chr10-78040201-C-A. GRCh37 (hg19) VCF-style: chr10-79799959-C-A.
Other names: c.390+2897C>A (NM_001142285.2); c.*13-3C>A (NM_001142283.2, NM_001142284.2); c.394-3C>A (NM_001142282.2, NM_001142282.1); c.391-414C>A (NM_001026.5).
Identifiers: ClinVar variation 301097 (VCV000301097.30), dbSNP rs7899453, ClinGen allele CA5572049.
Genomic context (GRCh38, chr10:78,040,201, plus strand): 5'-GACTATTAATGAAATCTTTCTTTTCCCTCCTTTCTCTTTTTCCCTTCCCCGCCACTGATT[C>A]AGTGAGCTGGAGATTGGATCACAGGTATAATTCAAGCTTTTCATGTAGTCATGTAGATCA-3'

ClinVar aggregate classification (germline): Benign/Likely benign. Review status: criteria provided, multiple submitters, no conflicts (2 of 4 stars). 8 submissions from 8 submitters: Benign (6); Likely benign (1). 1 of the submissions does not count toward it. Last evaluated 2026-02-01.

Conditions:
RPS24-related disorder. Also called: RPS24-related condition.
Diamond-Blackfan anemia 3 (DBA3). Also called: RPS24-Related Diamond-Blackfan Anemia. Identifiers: Orphanet 124, MedGen C1857719, MONDO:0012529, OMIM 610629.
Diamond-Blackfan anemia. Also called: Aase syndrome; Blackfan Diamond syndrome; Aregenerative anemia chronic congenital; Red cell aplasia, pure hereditary; Congenital hypoplastic anemia. Identifiers: Orphanet 124, MedGen C1260899, MeSH D029503, MONDO:0015253, HP:0004810.

Allele frequency attached by ClinVar (database versions not stated): gnomAD exomes 0.01738; ExAC 0.02161; gnomAD 0.06356 and 0.06807; 1000 Genomes Project 0.07248; TOPMed 0.07261; ESP Exome Variant Server 0.07350; 1000 Genomes Project 30x 0.07620.
gnomAD v4.1: 20,416 of 1,613,192 alleles (1.3%); highest among the groups gnomAD compares: African/African-American, 22%; 1,931 homozygotes.

Submissions (20):

Labcorp Genetics (formerly Invitae), Labcorp
Classification: Benign for Diamond-Blackfan anemia. Last evaluated: 2026-02-01. Review status: criteria provided, single submitter. Criteria: Invitae Variant Classification Sherloc (09022015). Collection method: clinical testing. Allele origin: germline.

ARUP Laboratories, Molecular Genetics and Genomics, ARUP Laboratories
Classification: Benign for Diamond-Blackfan anemia 3. Last evaluated: 2025-05-21. Review status: criteria provided, single submitter. Criteria: ARUP Molecular Germline Variant Investigation Process 2024. Collection method: clinical testing. Allele origin: germline.

Blueprint Genetics
Classification: Likely benign. Last evaluated: 2024-11-27. Review status: criteria provided, single submitter. Criteria: ACMG Guidelines, 2015. Collection method: clinical testing. Allele origin: germline.

Illumina Laboratory Services, Illumina
Classification: Benign for Diamond-Blackfan anemia 3. Last evaluated: 2018-01-13. Review status: criteria provided, single submitter. Criteria: ICSL Variant Classification Criteria 13 December 2019. Collection method: clinical testing. Allele origin: germline.
Comment: This variant was observed in the ICSL laboratory as part of a predisposition screen in an ostensibly healthy population. It had not been previously curated by ICSL or reported in the Human Gene Mutation Database (HGMD: prior to June 1st, 2018), and was therefore a candidate for classification through an automated scoring system. Utilizing variant allele frequency, disease prevalence and penetrance estimates, and inheritance mode, an automated score was calculated to assess if this variant is too frequent to cause the disease. Based on the score and internal cut-off values, a variant classified as benign is not then subjected to further curation. The score for this variant resulted in a classification of benign for this disease.

GeneDx
Classification: Benign. Last evaluated: 2017-09-27. Review status: criteria provided, single submitter. Criteria: GeneDx Variant Classification (06012015). Collection method: clinical testing. Allele origin: germline. Affected: yes.
Comment: This variant is considered likely benign or benign based on one or more of the following criteria: it is a conservative change, it occurs at a poorly conserved position in the protein, it is predicted to be benign by multiple in silico algorithms, and/or has population frequency not consistent with disease.

Ambry Genetics
Classification: Benign for Diamond-Blackfan anemia. Last evaluated: 2016-01-20. Review status: criteria provided, single submitter. Criteria: Ambry Variant Classification Scheme 2023. Collection method: clinical testing. Allele origin: germline.

Breakthrough Genomics
Classification: Benign. Review status: criteria provided, single submitter. Criteria: ACMG Guidelines, 2015. Collection method: not provided. Allele origin: germline. Inheritance: Autosomal dominant inheritance. Affected: yes.

PreventionGenetics, part of Exact Sciences
Classification: Benign for RPS24-related condition. Last evaluated: 2019-06-10. Review status: no assertion criteria provided. Collection method: clinical testing. Allele origin: germline. Not counted in ClinVar's aggregate classification.
Comment: This variant is classified as benign based on ACMG/AMP sequence variant interpretation guidelines (Richards et al. 2015 PMID: 25741868, with internal and published modifications).

Dr. Peter K. Rogan Lab, Western University
No classification provided (evidence only). Condition: Lung cancer. Review status: no classification provided. Collection method: in vitro. Allele origin: not applicable. Functional consequence: skipped exon, retained intron. Not counted in ClinVar's aggregate classification.

Dr. Peter K. Rogan Lab, Western University
No classification provided (evidence only). Condition: Lung cancer. Review status: no classification provided. Collection method: in vitro. Allele origin: not applicable. Functional consequence: skipped exon. Not counted in ClinVar's aggregate classification.

Dr. Peter K. Rogan Lab, Western University
No classification provided (evidence only). Condition: Colon adenocarcinoma. Review status: no classification provided. Collection method: in vitro. Allele origin: not applicable. Functional consequence: skipped exon. Not counted in ClinVar's aggregate classification.

Dr. Peter K. Rogan Lab, Western University
No classification provided (evidence only). Condition: Cervical cancer. Review status: no classification provided. Collection method: in vitro. Allele origin: not applicable. Functional consequence: skipped exon, retained intron. Not counted in ClinVar's aggregate classification.

Dr. Peter K. Rogan Lab, Western University
No classification provided (evidence only). Condition: Cervical cancer. Review status: no classification provided. Collection method: in vitro. Allele origin: not applicable. Functional consequence: retained intron. Not counted in ClinVar's aggregate classification.

Dr. Peter K. Rogan Lab, Western University
No classification provided (evidence only). Condition: Sarcoma. Review status: no classification provided. Collection method: in vitro. Allele origin: not applicable. Functional consequence: skipped exon. Not counted in ClinVar's aggregate classification.

Dr. Peter K. Rogan Lab, Western University
No classification provided (evidence only). Condition: Ovarian serous cystadenocarcinoma. Review status: no classification provided. Collection method: in vitro. Allele origin: not applicable. Functional consequence: retained intron. Not counted in ClinVar's aggregate classification.

Dr. Peter K. Rogan Lab, Western University
No classification provided (evidence only). Condition: Ovarian serous cystadenocarcinoma. Review status: no classification provided. Collection method: in vitro. Allele origin: not applicable. Functional consequence: skipped exon. Not counted in ClinVar's aggregate classification.

Dr. Peter K. Rogan Lab, Western University
No classification provided (evidence only). Condition: Ovarian serous cystadenocarcinoma. Review status: no classification provided. Collection method: in vitro. Allele origin: not applicable. Functional consequence: skipped exon. Not counted in ClinVar's aggregate classification.

Dr. Peter K. Rogan Lab, Western University
No classification provided (evidence only). Condition: Gastric cancer. Review status: no classification provided. Collection method: in vitro. Allele origin: not applicable. Functional consequence: retained intron. Not counted in ClinVar's aggregate classification.

Dr. Peter K. Rogan Lab, Western University
No classification provided (evidence only). Condition: Uterine carcinosarcoma. Review status: no classification provided. Collection method: in vitro. Allele origin: not applicable. Functional consequence: skipped exon. Not counted in ClinVar's aggregate classification.

Dr. Peter K. Rogan Lab, Western University
No classification provided (evidence only). Condition: Uterine carcinosarcoma. Review status: no classification provided. Collection method: in vitro. Allele origin: not applicable. Functional consequence: skipped exon, retained intron. Not counted in ClinVar's aggregate classification.